The following is an entry in ClinVar:

NM_194248.3(OTOF):c.3179_3183dup (p.Glu1062fs)

Gene: OTOF (otoferlin; minus strand). Cytogenetic location: 2p23.3.
Variant type: Duplication.
Coding change: c.3179_3183dup on transcript NM_194248.3 (MANE Select); coding-DNA positions 3179 to 3183, 5 bases duplicated (CAGAC; older notation c.3179_3183dupCAGAC).
Protein change: p.Glu1062fs; shifts the reading frame from glutamic acid 1062.
Molecular consequence: frameshift variant.
Genome position (GRCh38, 1-based): chr2:26,474,618-26,474,622, GTCTG duplicated on the plus strand (CAGAC on the coding strand, the reverse complement: OTOF is on the minus strand). VCF-style (leftmost placement, unchanged base first): chr2-26474617-C-CGTCTG. GRCh37 (hg19) VCF-style: chr2-26697485-C-CGTCTG.
Other names: c.3179_3183dup, p.Glu1062fs (NM_001287489.2); c.938_942dup, p.Glu315fs (NM_004802.4, NM_194323.3); c.1109_1113dup, p.Glu372fs (NM_194322.3); short protein forms E1062fs, E315fs, E372fs.
Identifiers: ClinVar variation 1333332 (VCV001333332.1), dbSNP rs773708510, ClinGen allele CA1563635.

ClinVar aggregate classification (germline): Likely pathogenic (1 of 4 stars; one submission).

Conditions:
Autosomal recessive nonsyndromic hearing loss 9. Also called: OTOF-Related Hearing Loss; AUDITORY NEUROPATHY, AUTOSOMAL RECESSIVE, 1, TEMPERATURE-SENSITIVE; NEUROSENSORY NONSYNDROMIC RECESSIVE DEAFNESS 9; Deafness, autosomal recessive 9. Identifiers: Orphanet 90636, MedGen C1832828, MONDO:0010986, OMIM 601071.

Allele frequency attached by ClinVar (database versions not stated): gnomAD exomes below 0.00001; ExAC 0.00001.

Submission:

3billion
Classification: Likely pathogenic for Autosomal recessive nonsyndromic hearing loss 9. Last evaluated: 2022-01-03. Review status: criteria provided, single submitter. Criteria: ACMG Guidelines, 2015. Collection method: clinical testing. Allele origin: germline. Affected: yes. Observed: 1 heterozygote.
Comment: Frameshift: predicted to result in a loss or disruption of normal protein function through nonsense-mediated decay (NMD) or protein truncation. Multiple pathogenic variants are reported downstream of the variant (PVS1_VS). It is observed at an extremely low frequency in the gnomAD v2.1.1 dataset (total allele frequency: 0.000004, PM2_M).Therefore, this variant is classified as likely pathogenic according to the recommendation of ACMG/AMP guideline.